The following is an entry in ClinVar:

NM_030912.3(TRIM8):c.1005C>A (p.Asn335Lys)

Gene: TRIM8 (tripartite motif containing 8; plus strand). Cytogenetic location: 10q24.32.
Variant type: single nucleotide variant.
Coding change: c.1005C>A on transcript NM_030912.3 (MANE Select); coding-DNA position 1005, C replaced by A.
Protein change: p.Asn335Lys; replaces asparagine 335 with lysine.
Molecular consequence: missense variant. On other transcripts: non-coding transcript variant (1).
Genome position (GRCh38, 1-based): chr10:102,656,342, C>A. VCF-style: chr10-102656342-C-A. GRCh37 (hg19) VCF-style: chr10-104416099-C-A.
Other names: c.909C>A, p.Asn303Lys (NM_001345950.1); short protein forms N303K, N335K.
Identifiers: ClinVar variation 4697252 (VCV004697252.1).
Genomic context (GRCh38, chr10:102,656,342, plus strand): 5'-CACGAGCAGCAGCCTTTCCCCCACTAAGATCGGCCACCTGAACTCCAAGCTCTTCCTGAA[C>A]GAAGTGGCCAAGAAGGAGAAGCAGCTGCGGAAAATGCTAGAAGGTGAGGGTGGGGTGTTC-3'
Protein context (NP_112174.2, residues 325-345): IGHLNSKLFL[Asn335Lys]EVAKKEKQLR

ClinVar aggregate classification (germline): Uncertain significance (1 of 4 stars; one submission).

gnomAD v4.1: 2 of 1,613,932 alleles (0.00012%); highest among the groups gnomAD compares: African/African-American, 0.0027%; no homozygotes.

Submission:

Labcorp Genetics (formerly Invitae), Labcorp
Classification: Uncertain significance. Last evaluated: 2025-03-19. Review status: criteria provided, single submitter. Criteria: Invitae Variant Classification Sherloc (09022015). Collection method: clinical testing. Allele origin: germline.
Comment: This sequence change replaces asparagine, which is neutral and polar, with lysine, which is basic and polar, at codon 335 of the TRIM8 protein (p.Asn335Lys). This variant is present in population databases (no rsID available, gnomAD 0.004%). This variant has not been reported in the literature in individuals affected with TRIM8-related conditions. An algorithm developed to predict the effect of missense changes on protein structure and function (PolyPhen-2) suggests that this variant is likely to be tolerated. In summary, the available evidence is currently insufficient to determine the role of this variant in disease. Therefore, it has been classified as a Variant of Uncertain Significance.